The following is an entry in ClinVar:

ClinVar aggregate classification (germline): Likely benign. Review status: criteria provided, multiple submitters, no conflicts (2 of 4 stars). 4 submissions from 4 submitters: Likely benign (4). Last evaluated 2025-01-30.

Conditions:
Cardiomyopathy (CMYO). Also called: Cardiomyopathies. Identifiers: Orphanet 167848, MedGen C0878544, MONDO:0004994, HP:0001638. Inheritance: Various modes of inheritance.
Cardiovascular phenotype. Identifiers: MedGen CN230736.
Arrhythmogenic right ventricular dysplasia 8 (ARVD8). Also called: ARRHYTHMOGENIC RIGHT VENTRICULAR DYSPLASIA, FAMILIAL, 8; ARRHYTHMOGENIC RIGHT VENTRICULAR CARDIOMYOPATHY 8; Arrhythmogenic Right Ventricular Dysplasia/Cardiomyopathy 8. Identifiers: MedGen C1843896, MONDO:0011831, OMIM 607450.
Arrhythmogenic cardiomyopathy with wooly hair and keratoderma. Also called: Arrhythmogenic cardiomyopathy with woolly hair and keratoderma; PALMOPLANTAR KERATODERMA WITH LEFT VENTRICULAR CARDIOMYOPATHY AND WOOLLY HAIR; Carvajal syndrome; Dilated cardiomyopathy with woolly hair and keratoderma. Identifiers: Orphanet 65282, MedGen C1854063, MONDO:0011581, OMIM 605676.

Allele frequency attached by ClinVar (database versions not stated): gnomAD 0.00001; gnomAD exomes 0.00001; TOPMed 0.00002.
gnomAD v4.1: 15 of 1,613,962 alleles (0.00093%); highest among the groups gnomAD compares: South Asian, 0.0044%; no homozygotes.

Submissions (4):

Labcorp Genetics (formerly Invitae), Labcorp
Classification: Likely benign for Arrhythmogenic cardiomyopathy with wooly hair and keratoderma; Arrhythmogenic right ventricular dysplasia 8. Last evaluated: 2025-01-30. Review status: criteria provided, single submitter. Criteria: Invitae Variant Classification Sherloc (09022015). Collection method: clinical testing. Allele origin: germline.

All of Us Research Program, National Institutes of Health
Classification: Likely benign for Arrhythmogenic cardiomyopathy with wooly hair and keratoderma. Last evaluated: 2023-10-27. Review status: criteria provided, single submitter. Criteria: ACMG Guidelines, 2015. Collection method: clinical testing. Allele origin: germline. Inheritance: Autosomal dominant inheritance. Observed: 1 variant allele, 1 heterozygote.
Comment: This study involves interpretation of variants in research participants for the purpose of population health screening. Participant phenotype was not available at the time of variant classification. Additional details can be found in publication PMID: 35346344, PMCID: PMC8962531

Color Diagnostics, LLC DBA Color Health
Classification: Likely benign for Cardiomyopathy. Last evaluated: 2020-10-19. Review status: criteria provided, single submitter. Criteria: ACMG Guidelines, 2015. Collection method: clinical testing. Allele origin: germline.

Ambry Genetics
Classification: Likely benign for Cardiovascular phenotype. Last evaluated: 2020-09-03. Review status: criteria provided, single submitter. Criteria: Ambry Variant Classification Scheme 2023. Collection method: clinical testing. Allele origin: germline.

NM_004415.4(DSP):c.4563G>A (p.Ala1521=)

Gene: DSP (desmoplakin; plus strand). Cytogenetic location: 6p24.3.
Variant type: single nucleotide variant.
Coding change: c.4563G>A on transcript NM_004415.4 (MANE Select); coding-DNA position 4563, G replaced by A.
Protein change: p.Ala1521=; no amino-acid change (alanine 1521 retained).
Molecular consequence: synonymous variant. On other transcripts: intron variant (2).
Genome position (GRCh38, 1-based): chr6:7,580,753, G>A. VCF-style: chr6-7580753-G-A. GRCh37 (hg19) VCF-style: chr6-7580986-G-A.
Other names: c.4050+513G>A (NM_001319034.2); c.3582+981G>A (NM_001008844.3).
Identifiers: ClinVar variation 733303 (VCV000733303.16), dbSNP rs774258993, ClinGen allele CA133969916.
Genomic context (GRCh38, chr6:7,580,753, plus strand): 5'-AGATGAAAACGCGAGATTACAAAGGGTCCAGTATGACCTGCAGAAAGCAAACAGTAGTGC[G>A]ACGGAGACAATAAACAAACTGAAGGTTCAGGAGCAAGAACTGACACGCCTGAGGATCGAC-3'
Protein context (NP_004406.2, residues 1511-1531): QYDLQKANSS[Ala1521=]TETINKLKVQ